The following continues an entry in ClinVar:

NM_000277.3(PAH):c.165T>G (p.Phe55Leu)

Gene: PAH. ClinVar aggregate classification (germline): Pathogenic/Likely pathogenic. Pathogenic (16); Likely pathogenic (2).

Submissions 15 to 20 of 20:

Women's Health and Genetics/Laboratory Corporation of America, LabCorp
Classification: Pathogenic for Hyperphenylalaninemia. Last evaluated: 2016-12-30. Review status: criteria provided, single submitter. Criteria: LabCorp Variant Classification Summary - May 2015. Collection method: clinical testing. Allele origin: germline.
Comment: Variant summary: The PAH c.165T>G (p.Phe55Leu) variant located in the ACT domain causes a missense change involving a conserved nucleotide, which 3/5 in silico tools predict a damaging outcome. The variant of interest was observed in the large, broad control population, ExAC, with an allele frequency of 11/121376 (1/11037), which does not exceed the estimated maximal expected allele frequency for a pathogenic PAH variant of 1/126. The variant of interest has been reported in multiple affected individuals diagnosed with HPA as compound heterozygotes. In addition, multiple databases and clinical diagnostic laboratories have cited the variant with a classification of "pathogenic" or "likely pathogenic." Therefore, the variant of interest has been classified as "Pathogenic."

Eurofins Ntd Llc (ga)
Classification: Pathogenic. Last evaluated: 2012-08-07. Review status: criteria provided, single submitter. Criteria: EGL Classification Definitions 2015. Collection method: clinical testing. Allele origin: germline. Observed: 3 variant alleles, 3 heterozygotes.

Clinical Genetics Service, Universitary Hospital 12 de Octubre
Classification: Pathogenic for Phenylketonuria. Review status: criteria provided, single submitter. Criteria: ACMG Guidelines, 2015. Collection method: clinical testing. Allele origin: maternal. Affected: yes.

Kariminejad - Najmabadi Pathology & Genetics Center
Classification: Pathogenic for Phenylketonuria. Review status: criteria provided, single submitter. Criteria: ACMG Guidelines, 2015. Collection method: clinical testing. Allele origin: germline. Affected: no.

PreventionGenetics, part of Exact Sciences
Classification: Pathogenic for PAH-related condition. Last evaluated: 2024-08-01. Review status: no assertion criteria provided. Collection method: clinical testing. Allele origin: germline. Not counted in ClinVar's aggregate classification.
Comment: The PAH c.165T>G variant is predicted to result in the amino acid substitution p.Phe55Leu. This variant has previously been reported, in the compound heterozygous state with a second causative variant, in multiple patients with hyperphenylalaninemia (e.g., Zekanowski et al. 1997. PubMed ID: 9298832; Bosco et al. 1998. PubMed ID: 9521426; Aldámiz-Echevarría et al. 2016. PubMed ID: 27121329; Table S3, Hillert et al. 2020. PubMed ID: 32668217). In functional studies, the p.Phe55Leu substitution was reported to affect protein allostery and proteolytic stability (Gersting et al. 2008. PubMed ID: 18538294). This variant is typically associated with mild hyperphenylalaninemia or mild phenylketonuria (PKU) (Table S2, Hillert et al. 2020. PubMed ID: 32668217). This variant is classified as pathogenic in the ClinVar database. Taken together, we classify this variant as pathogenic.

DeBelle Laboratory for Biochemical Genetics, MUHC/MCH RESEARCH INSTITUTE
No classification provided. Review status: no classification provided. Collection method: not provided. Allele origin: not provided. Not counted in ClinVar's aggregate classification.

Literature cited by the submitters: PubMed 9298832 (cited by 4 submitters); PubMed 9521426 (cited by 3 submitters); PubMed 10598814 (cited by Labcorp Genetics (formerly Invitae), Labcorp); PubMed 12501224 (cited by Labcorp Genetics (formerly Invitae), Labcorp); PubMed 18299955 (cited by 3 submitters); PubMed 23932990 (cited by 3 submitters); PubMed 18538294 (cited by 4 submitters); PubMed 23942198 (cited by Natera, Inc.); PubMed 31343797 (cited by Mayo Clinic Laboratories, Mayo Clinic); PubMed 32668217 (cited by Mayo Clinic Laboratories, Mayo Clinic); PubMed 32778825 (cited by Mayo Clinic Laboratories, Mayo Clinic); PubMed 33465300 (cited by Mayo Clinic Laboratories, Mayo Clinic); PubMed 34828281 (cited by Mayo Clinic Laboratories, Mayo Clinic); PubMed 36646061 (cited by Mayo Clinic Laboratories, Mayo Clinic); PubMed 37837865 (cited by Mayo Clinic Laboratories, Mayo Clinic); PubMed 30367646 (cited by Myriad Genetics, Inc.); PubMed 27121329 (cited by Myriad Genetics, Inc.); PubMed 26655635 (cited by Myriad Genetics, Inc.); PubMed 11678552 (cited by Myriad Genetics, Inc. and Illumina Laboratory Services, Illumina); PubMed 23430918 (cited by Myriad Genetics, Inc. and Illumina Laboratory Services, Illumina); PubMed 12655553 (cited by Illumina Laboratory Services, Illumina).